The following is an entry in ClinVar:

NM_003873.7(NRP1):c.622T>C (p.Tyr208His)

Gene: NRP1 (neuropilin 1; minus strand). Cytogenetic location: 10p11.22.
Variant type: single nucleotide variant.
Coding change: c.622T>C on transcript NM_003873.7 (MANE Select); coding-DNA position 622, T replaced by C.
Protein change: p.Tyr208His; replaces tyrosine 208 with histidine.
Molecular consequence: missense variant. On other transcripts: non-coding transcript variant (1).
Genome position (GRCh38, 1-based): chr10:33,263,682, A>G on the plus strand (T>C on the coding strand, the complement: NRP1 is on the minus strand). VCF-style: chr10-33263682-A-G. GRCh37 (hg19) VCF-style: chr10-33552610-A-G.
Other names: c.622T>C, p.Tyr208His (NM_001024628.3, NM_001024629.3, NM_001244972.2 and 2 more transcripts); short protein forms Y208H.
Identifiers: ClinVar variation 3351440 (VCV003351440.1).
Genomic context (GRCh38, chr10:33,263,682, plus strand): 5'-TGGGGTGCTTCCTGTCATTCTTACCATCAGGGAATCCATCCCAGATTTCTAGCCGGTCGT[A>G]GCGACAGAACATCCCCCCTGGAGGATTTGAGTCAGGCTCCAGGTCAAAGCTTTCAAATTC-3'
Protein context (NP_003864.5, residues 198-218): SNPPGGMFCR[Tyr208His]DRLEIWDGFP

ClinVar aggregate classification (germline): Uncertain significance (0 of 4 stars; one submission).

Conditions:
NRP1-related disorder. Also called: NRP1-related condition.

gnomAD v4.1: 1 of 1,614,100 alleles (0.000062%); highest among the groups gnomAD compares: Admixed American, 0.0017%; no homozygotes.

Submission:

PreventionGenetics, part of Exact Sciences
Classification: Uncertain significance for NRP1-related condition. Last evaluated: 2024-07-10. Review status: no assertion criteria provided. Collection method: clinical testing. Allele origin: germline.
Comment: The NRP1 c.622T>C variant is predicted to result in the amino acid substitution p.Tyr208His. To our knowledge, this variant has not been reported in the literature. This variant is reported in 0.0058% of alleles in individuals of Latino descent in gnomAD. At this time, the clinical significance of this variant is uncertain due to the absence of conclusive functional and genetic evidence.